The following is an entry in ClinVar:

ClinVar aggregate classification (germline): Pathogenic/Likely pathogenic. Review status: criteria provided, multiple submitters, no conflicts (2 of 4 stars). 4 submissions from 4 submitters: Pathogenic (1); Likely pathogenic (1). 2 of the submissions do not count toward it. Last evaluated 2023-02-09.

Conditions:
Hereditary von Willebrand disease. Identifiers: Orphanet 903, MedGen C5703318, MONDO:0019565. Inheritance: Autosomal recessive or Autosomal dominant.
von Willebrand disease type 3 (VWD3). Also called: Type 3 Von Willebrand's disease; Type 3 VWD; Von Willebrand disease, severe form; V WD3; VON WILLEBRAND DISEASE, TYPE III. Identifiers: Orphanet 166096, MedGen C1264041, MONDO:0010191, OMIM 277480.

Allele frequency attached by ClinVar (database versions not stated): gnomAD exomes 0.00001 and 0.00004; TOPMed 0.00001; ExAC 0.00002.
gnomAD v4.1: 54 of 1,613,992 alleles (0.0033%); highest among the groups gnomAD compares: Non-Finnish European, 0.0045%; no homozygotes.

Submissions (4):

Illumina Laboratory Services, Illumina
Classification: Pathogenic for von Willebrand disorder. Last evaluated: 2023-02-09. Review status: criteria provided, single submitter. Criteria: ICSLVariantClassificationCriteria RUGD 01 April 2020. Collection method: clinical testing. Allele origin: unknown.
Comment: The VWF c.7408C>T (p.Gln2470Ter) nonsense variant results in the premature termination of the protein at amino acid position 2470. Loss of normal protein function through either protein truncation or nonsense-mediated mRNA decay is expected. This variant has been reported in the literature both by itself as well as together with a second variant in the VWF gene in several individuals with von Willebrand disease (PMID: 12008946; PMID: 12353070; PMID: 31064749). This variant is reported in the Genome Aggregation Database in 3 alleles at a frequency of 0.000012 in the total population (version 2.1.1). Based on the available evidence, the c.7408C>T (p.Gln2470Ter) variant is classified as pathogenic for von Willebrand disease.

NIHR Bioresource Rare Diseases, University of Cambridge
Classification: Likely pathogenic for von Willebrand disorder. Last evaluated: 2019-02-01. Review status: criteria provided, single submitter. Criteria: ACMG Guidelines, 2015. Collection method: research. Allele origin: unknown. Affected: yes. Observed: 1 heterozygote. Study: ThromboGenomics.

Angelo Bianchi Bonomi Hemophilia and Thrombosis Center, Fondazione IRCCS Ca Granda Ospedale Maggiore Policlinico
Classification: Likely pathogenic for von Willebrand disease type 3. Last evaluated: 2020-11-01. Review status: no assertion criteria provided. Collection method: clinical testing. Allele origin: germline. Affected: yes. Study: Type 3 Von Willebrand International Registries Inhibitor Prospective Study (3WINTERS-IPS). Not counted in ClinVar's aggregate classification.
Comment: variant already reported in ClinVar

Academic Unit of Haematology, University of Sheffield
No classification provided. Review status: no classification provided. Collection method: not provided. Allele origin: not provided. Not counted in ClinVar's aggregate classification.

Literature cited by the submitters: PubMed 12008946 (cited by Illumina Laboratory Services, Illumina); PubMed 31064749 (cited by Illumina Laboratory Services, Illumina and NIHR Bioresource Rare Diseases, University of Cambridge); PubMed 12353070 (cited by Illumina Laboratory Services, Illumina).

NM_000552.5(VWF):c.7408C>T (p.Gln2470Ter)

Gene: VWF (von Willebrand factor; minus strand). Cytogenetic location: 12p13.31.
Variant type: single nucleotide variant.
Coding change: c.7408C>T on transcript NM_000552.5 (MANE Select); coding-DNA position 7408, C replaced by T.
Protein change: p.Gln2470Ter; replaces glutamine 2470 with a stop codon.
Molecular consequence: nonsense.
Genome position (GRCh38, 1-based): chr12:5,976,140, G>A on the plus strand (C>T on the coding strand, the complement: VWF is on the minus strand). VCF-style: chr12-5976140-G-A. GRCh37 (hg19) VCF-style: chr12-6085306-G-A.
Other names: short protein forms Q2470*.
Identifiers: ClinVar variation 100469 (VCV000100469.8), dbSNP rs61751288, ClinGen allele CA228790.